The following is an entry in ClinVar:

ClinVar aggregate classification (germline): Pathogenic (1 of 4 stars; one submission).

Submission:

Labcorp Genetics (formerly Invitae), Labcorp
Classification: Pathogenic. Last evaluated: 2023-04-04. Review status: criteria provided, single submitter. Criteria: Invitae Variant Classification Sherloc (09022015). Collection method: clinical testing. Allele origin: germline.
Comment: For these reasons, this variant has been classified as Pathogenic. This sequence change creates a premature translational stop signal (p.Trp299*) in the RXYLT1 gene. While this is not anticipated to result in nonsense mediated decay, it is expected to disrupt the last 145 amino acid(s) of the RXYLT1 protein. This variant is not present in population databases (gnomAD no frequency). This variant has not been reported in the literature in individuals affected with RXYLT1-related conditions. Algorithms developed to predict the effect of sequence changes on RNA splicing suggest that this variant may disrupt the consensus splice site. This variant disrupts a region of the RXYLT1 protein in which other variant(s) (p.Tyr339Cys) have been determined to be pathogenic (PMID: 23217329, 27733679). This suggests that this is a clinically significant region of the protein, and that variants that disrupt it are likely to be disease-causing.

Literature cited by the submitters: PubMed 23217329; PubMed 27733679.

NM_014254.3(RXYLT1):c.896G>A (p.Trp299Ter)

Gene: RXYLT1 (ribitol xylosyltransferase 1; plus strand). Cytogenetic location: 12q14.2.
Variant type: single nucleotide variant.
Coding change: c.896G>A on transcript NM_014254.3 (MANE Select); coding-DNA position 896, G replaced by A.
Protein change: p.Trp299Ter; replaces tryptophan 299 with a stop codon.
Molecular consequence: nonsense.
Genome position (GRCh38, 1-based): chr12:63,805,386, G>A. VCF-style: chr12-63805386-G-A. GRCh37 (hg19) VCF-style: chr12-64199166-G-A.
Other names: c.116G>A, p.Trp39Ter (NM_001278237.2); short protein forms W299*, W39*.
Identifiers: ClinVar variation 3006120 (VCV003006120.3), dbSNP rs1355909028, ClinGen allele CA385659714.